The following is an entry in ClinVar:

NM_006739.4(MCM5):c.841G>A (p.Gly281Ser)

Gene: MCM5 (minichromosome maintenance complex component 5; plus strand). Cytogenetic location: 22q12.3.
Variant type: single nucleotide variant.
Coding change: c.841G>A on transcript NM_006739.4 (MANE Select); coding-DNA position 841, G replaced by A.
Protein change: p.Gly281Ser; replaces glycine 281 with serine.
Molecular consequence: missense variant.
Genome position (GRCh38, 1-based): chr22:35,410,832, G>A. VCF-style: chr22-35410832-G-A. GRCh37 (hg19) VCF-style: chr22-35806825-G-A.
Other names: short protein forms G281S.
Identifiers: ClinVar variation 2984066 (VCV002984066.3), dbSNP rs2517892759, ClinGen allele CA411343154.

ClinVar aggregate classification (germline): Uncertain significance (1 of 4 stars; one submission).

Submission:

Labcorp Genetics (formerly Invitae), Labcorp
Classification: Uncertain significance. Last evaluated: 2023-08-19. Review status: criteria provided, single submitter. Criteria: Invitae Variant Classification Sherloc (09022015). Collection method: clinical testing. Allele origin: germline.
Comment: This sequence change replaces glycine, which is neutral and non-polar, with serine, which is neutral and polar, at codon 281 of the MCM5 protein (p.Gly281Ser). This variant is not present in population databases (gnomAD no frequency). This variant has not been reported in the literature in individuals affected with MCM5-related conditions. Advanced modeling of protein sequence and biophysical properties (such as structural, functional, and spatial information, amino acid conservation, physicochemical variation, residue mobility, and thermodynamic stability) performed at Invitae indicates that this missense variant is not expected to disrupt MCM5 protein function. In summary, the available evidence is currently insufficient to determine the role of this variant in disease. Therefore, it has been classified as a Variant of Uncertain Significance.